The following is an entry in ClinVar:

ClinVar aggregate classification (germline): Uncertain significance (1 of 4 stars; one submission).

Conditions:
Inborn genetic diseases. Identifiers: MedGen C0950123, MeSH D030342.

Allele frequency attached by ClinVar (database versions not stated): TOPMed 0.00001.

Submission:

Ambry Genetics
Classification: Uncertain significance for Inborn genetic diseases. Last evaluated: 2016-05-11. Review status: criteria provided, single submitter. Criteria: Ambry Variant Classification Scheme 2023. Collection method: clinical testing. Allele origin: germline.
Comment: The p.L111P variant (also known as c.332T>C), located in coding exon 4 of the CC2D1A gene, results from a T to C substitution at nucleotide position 332. The leucine at codon 111 is replaced by proline, an amino acid with similar properties. This variant was not reported in population based cohorts in the following databases: Database of Single Nucleotide Polymorphisms (dbSNP), NHLBI Exome Sequencing Project (ESP), and 1000 Genomes Project. In the ESP, this variant was not observed in 6178 samples (12356 alleles) with coverage at this position. This amino acid position is highly conserved in available vertebrate species. In addition, the in silico prediction for this alteration is inconclusive. Since supporting evidence is limited at this time, the clinical significance of this alteration remains unclear.

NM_017721.5(CC2D1A):c.332T>C (p.Leu111Pro)

Gene: CC2D1A (coiled-coil and C2 domain containing 1A; plus strand). Cytogenetic location: 19p13.12.
Variant type: single nucleotide variant.
Coding change: c.332T>C on transcript NM_017721.5 (MANE Select); coding-DNA position 332, T replaced by C.
Protein change: p.Leu111Pro; replaces leucine 111 with proline.
Molecular consequence: missense variant.
Genome position (GRCh38, 1-based): chr19:13,912,547, T>C. VCF-style: chr19-13912547-T-C. GRCh37 (hg19) VCF-style: chr19-14023360-T-C.
Other names: short protein forms L111P.
Identifiers: ClinVar variation 587888 (VCV000587888.5), dbSNP rs1568405653, ClinGen allele CA404376291.